The following is an entry in ClinVar:

ClinVar aggregate classification (germline): Uncertain significance (1 of 4 stars; one submission).

Conditions:
Hypertrophic cardiomyopathy. Also called: HYPERTROPHIC MYOCARDIOPATHY. Identifiers: Orphanet 217569, MedGen C0007194, MeSH D002312, MONDO:0005045, HP:0001639.

Allele frequency attached by ClinVar (database versions not stated): TOPMed below 0.00001; gnomAD exomes 0.00001.
gnomAD v4.1: 8 of 1,614,006 alleles (0.0005%); highest among the groups gnomAD compares: Non-Finnish European, 0.00068%; no homozygotes.

Submission:

Labcorp Genetics (formerly Invitae), Labcorp
Classification: Uncertain significance for Hypertrophic cardiomyopathy. Last evaluated: 2020-05-29. Review status: criteria provided, single submitter. Criteria: Invitae Variant Classification Sherloc (09022015). Collection method: clinical testing. Allele origin: germline.
Comment: In summary, the available evidence is currently insufficient to determine the role of this variant in disease. Therefore, it has been classified as a Variant of Uncertain Significance. Algorithms developed to predict the effect of missense changes on protein structure and function are either unavailable or do not agree on the potential impact of this missense change (SIFT: "Deleterious"; PolyPhen-2: "Probably Damaging"; Align-GVGD: "Class C0"). This variant has not been reported in the literature in individuals with MYH7-related conditions. This variant is not present in population databases (ExAC no frequency). This sequence change replaces threonine with isoleucine at codon 993 of the MYH7 protein (p.Thr993Ile). The threonine residue is highly conserved and there is a moderate physicochemical difference between threonine and isoleucine.

NM_000257.4(MYH7):c.2978C>T (p.Thr993Ile)

Gene: MYH7 (myosin heavy chain 7; minus strand). Cytogenetic location: 14q11.2.
Variant type: single nucleotide variant.
Coding change: c.2978C>T on transcript NM_000257.4 (MANE Select); coding-DNA position 2978, C replaced by T.
Protein change: p.Thr993Ile; replaces threonine 993 with isoleucine.
Molecular consequence: missense variant.
Genome position (GRCh38, 1-based): chr14:23,423,668, G>A on the plus strand (C>T on the coding strand, the complement: MYH7 is on the minus strand). VCF-style: chr14-23423668-G-A. GRCh37 (hg19) VCF-style: chr14-23892877-G-A.
Other names: short protein forms T993I.
Identifiers: ClinVar variation 1034575 (VCV001034575.8), dbSNP rs1892574151, ClinGen allele CA389046354.